The following is an entry in ClinVar:

ClinVar aggregate classification (germline): Uncertain significance. Review status: criteria provided, multiple submitters, no conflicts (2 of 4 stars). 5 submissions from 5 submitters: Uncertain significance (5). Last evaluated 2025-04-14.

Conditions:
Hereditary cancer-predisposing syndrome. Also called: Hereditary neoplastic syndrome; Tumor predisposition; Hereditary Cancer Syndrome; Neoplastic Syndromes, Hereditary. Identifiers: Orphanet 140162, MedGen C0027672, MeSH D009386, MONDO:0015356.
Familial cancer of breast. Also called: hereditary breast carcinoma; Hereditary breast cancer; BREAST CANCER, FAMILIAL. Identifiers: Orphanet 227535, MedGen C0346153, MONDO:0016419, OMIM 114480. Disease mechanism: loss of function.

Submissions (5):

Dasa
Classification: Uncertain significance. Last evaluated: 2025-04-14. Review status: criteria provided, single submitter. Criteria: DASA Assertion Criteria. Collection method: clinical testing. Allele origin: germline.
Comment: NM_000465.4(BARD1):c.1981A>G (p.Arg661Gly) is a missense variant that results in the substitution of arginine with glycine. This variant is absent from population databases. Computational prediction algorithms are consistent with a benign effect. The currently available literature and clinical evidence are not sufficient to establish a definitive association between this variant and the reported condition. Therefore, this variant is classified as a variant of uncertain significance.

Labcorp Genetics (formerly Invitae), Labcorp
Classification: Uncertain significance for Familial cancer of breast. Last evaluated: 2025-03-23. Review status: criteria provided, single submitter. Criteria: Invitae Variant Classification Sherloc (09022015). Collection method: clinical testing. Allele origin: germline.
Comment: This sequence change replaces arginine, which is basic and polar, with glycine, which is neutral and non-polar, at codon 661 of the BARD1 protein (p.Arg661Gly). This variant is not present in population databases (gnomAD no frequency). This variant has not been reported in the literature in individuals affected with BARD1-related conditions. ClinVar contains an entry for this variant (Variation ID: 406742). An algorithm developed to predict the effect of missense changes on protein structure and function (PolyPhen-2) suggests that this variant is likely to be disruptive. In summary, the available evidence is currently insufficient to determine the role of this variant in disease. Therefore, it has been classified as a Variant of Uncertain Significance.

Color Diagnostics, LLC DBA Color Health
Classification: Uncertain significance for Hereditary cancer-predisposing syndrome. Last evaluated: 2024-03-06. Review status: criteria provided, single submitter. Criteria: ACMG Guidelines, 2015. Collection method: clinical testing. Allele origin: germline.
Comment: This missense variant replaces arginine with glycine at codon 661 of the BARD1 protein. Computational prediction suggests that this variant may not impact protein structure and function (internally defined REVEL score threshold <= 0.5, PMID: 27666373). To our knowledge, functional studies have not been performed for this variant. This variant has not been reported in individuals affected with hereditary cancer in the literature. This variant has not been identified in the general population by the Genome Aggregation Database (gnomAD). The available evidence is insufficient to determine the role of this variant in disease conclusively. Therefore, this variant is classified as a Variant of Uncertain Significance.

Ambry Genetics
Classification: Uncertain significance for Hereditary cancer-predisposing syndrome. Last evaluated: 2023-04-28. Review status: criteria provided, single submitter. Criteria: Ambry Variant Classification Scheme 2023. Collection method: clinical testing. Allele origin: germline.
Comment: The p.R661G variant (also known as c.1981A>G), located in coding exon 10 of the BARD1 gene, results from an A to G substitution at nucleotide position 1981. The arginine at codon 661 is replaced by glycine, an amino acid with dissimilar properties. This amino acid position is highly conserved in available vertebrate species. In addition, this alteration is predicted to be deleterious by in silico analysis. Since supporting evidence is limited at this time, the clinical significance of this alteration remains unclear.

Department of Pathology and Laboratory Medicine, Sinai Health System
Classification: Uncertain significance for Familial cancer of breast. Last evaluated: 2022-08-17. Review status: criteria provided, single submitter. Criteria: ACMG Guidelines, 2015. Collection method: clinical testing. Allele origin: germline. Affected: yes.

NM_000465.4(BARD1):c.1981A>G (p.Arg661Gly)

Gene: BARD1 (BRCA1 associated RING domain 1; minus strand). Cytogenetic location: 2q35.
Variant type: single nucleotide variant.
Coding change: c.1981A>G on transcript NM_000465.4 (MANE Select); coding-DNA position 1981, A replaced by G.
Protein change: p.Arg661Gly; replaces arginine 661 with glycine.
Molecular consequence: missense variant. On other transcripts: non-coding transcript variant (3).
Genome position (GRCh38, 1-based): chr2:214,730,431, T>C on the plus strand (A>G on the coding strand, the complement: BARD1 is on the minus strand). VCF-style: chr2-214730431-T-C. GRCh37 (hg19) VCF-style: chr2-215595155-T-C.
Other names: c.1924A>G, p.Arg642Gly (NM_001282543.2); c.628A>G, p.Arg210Gly (NM_001282545.2); c.571A>G, p.Arg191Gly (NM_001282548.2); c.442A>G, p.Arg148Gly (NM_001282549.2); c.1981A>G (NM_000465.2); short protein forms R661G, R642G, R210G, R191G, R148G.
Identifiers: ClinVar variation 406742 (VCV000406742.20), dbSNP rs1060501283, ClinGen allele CA16610720.